The following is an entry in ClinVar:

ClinVar aggregate classification (germline): Uncertain significance (1 of 4 stars; one submission).

Conditions:
Inborn genetic diseases. Identifiers: MedGen C0950123, MeSH D030342.

Submission:

Ambry Genetics
Classification: Uncertain significance for Inborn genetic diseases. Last evaluated: 2021-10-19. Review status: criteria provided, single submitter. Criteria: Ambry Variant Classification Scheme 2023. Collection method: clinical testing. Allele origin: germline.
Comment: The p.N307K variant (also known as c.921C>A), located in coding exon 10 of the ERCC2 gene, results from a C to A substitution at nucleotide position 921. The asparagine at codon 307 is replaced by lysine, an amino acid with similar properties. This amino acid position is conserved. In addition, this alteration is predicted to be tolerated by in silico analysis. Since supporting evidence is limited at this time, the clinical significance of this alteration remains unclear.

NM_000400.4(ERCC2):c.921C>A (p.Asn307Lys)

Gene: ERCC2 (ERCC excision repair 2, TFIIH core complex helicase subunit; minus strand). Cytogenetic location: 19q13.32.
Variant type: single nucleotide variant.
Coding change: c.921C>A on transcript NM_000400.4 (MANE Select); coding-DNA position 921, C replaced by A.
Protein change: p.Asn307Lys; replaces asparagine 307 with lysine.
Molecular consequence: missense variant.
Genome position (GRCh38, 1-based): chr19:45,364,014, G>T on the plus strand (C>A on the coding strand, the complement: ERCC2 is on the minus strand). VCF-style: chr19-45364014-G-T. GRCh37 (hg19) VCF-style: chr19-45867272-G-T.
Other names: c.849C>A, p.Asn283Lys (NM_001130867.2); short protein forms N283K, N307K.
Identifiers: ClinVar variation 1766224 (VCV001766224.2), dbSNP rs781205093, ClinGen allele CA406373387.